The following is an entry in ClinVar:

ClinVar aggregate classification (germline): Uncertain significance (1 of 4 stars; one submission).

Conditions:
Hereditary cancer-predisposing syndrome. Also called: Neoplastic Syndromes, Hereditary; Tumor predisposition; Hereditary Cancer Syndrome; Hereditary neoplastic syndrome. Identifiers: Orphanet 140162, MedGen C0027672, MeSH D009386, MONDO:0015356.

Submission:

Ambry Genetics
Classification: Uncertain significance for Hereditary cancer-predisposing syndrome. Last evaluated: 2026-03-14. Review status: criteria provided, single submitter. Criteria: Ambry Variant Classification Scheme 2023. Collection method: clinical testing. Allele origin: germline.
Comment: The p.S954F variant (also known as c.2861C>T), located in coding exon 21 of the KIT gene, results from a C to T substitution at nucleotide position 2861. The serine at codon 954 is replaced by phenylalanine, an amino acid with highly dissimilar properties. This amino acid position is conserved. In addition, this alteration is predicted to be tolerated by in silico analysis. Based on the available evidence, the clinical significance of this variant remains unclear.

NM_000222.3(KIT):c.2861C>T (p.Ser954Phe)

Gene: KIT (KIT proto-oncogene, receptor tyrosine kinase; plus strand). Cytogenetic location: 4q12.
Variant type: single nucleotide variant.
Coding change: c.2861C>T on transcript NM_000222.3 (MANE Select); coding-DNA position 2861, C replaced by T.
Protein change: p.Ser954Phe; replaces serine 954 with phenylalanine.
Molecular consequence: missense variant.
Genome position (GRCh38, 1-based): chr4:54,738,487, C>T. VCF-style: chr4-54738487-C-T. GRCh37 (hg19) VCF-style: chr4-55604653-C-T.
Other names: c.2849C>T, p.Ser950Phe (NM_001093772.2, NM_001385292.1); c.2864C>T, p.Ser955Phe (NM_001385284.1); c.2858C>T, p.Ser953Phe (NM_001385285.1); c.2846C>T, p.Ser949Phe (NM_001385286.1); c.2852C>T, p.Ser951Phe (NM_001385288.1); c.2861C>T, p.Ser954Phe (NM_001385290.1); short protein forms S949F, S951F, S954F, S953F, S950F, S955F.
Identifiers: ClinVar variation 4827655 (VCV004827655.1).
Genomic context (GRCh38, chr4:54,738,487, plus strand): 5'-AGATTTACTCCAACTTAGCAAACTGCAGCCCCAACCGACAGAAGCCCGTGGTAGACCATT[C>T]TGTGCGGATCAATTCTGTCGGCAGCACCGCTTCCTCCTCCCAGCCTCTGCTTGTGCACGA-3'
Protein context (NP_000213.1, residues 944-964): PNRQKPVVDH[Ser954Phe]VRINSVGSTA